The following is an entry in ClinVar:

ClinVar aggregate classification (germline): Likely pathogenic (0 of 4 stars; one submission).

Conditions:
Sengers syndrome. Also called: MITOCHONDRIAL DNA DEPLETION SYNDROME 10 (CARDIOMYOPATHIC TYPE); Cardiomyopathy and cataract. Identifiers: Orphanet 1369, MedGen C1859317, MONDO:0008922, OMIM 212350.

Submission:

Hacettepe Genetic Diseases Diagnosis Center, Hacettepe University Faculty of Medicine
Classification: Likely pathogenic for Sengers syndrome. Last evaluated: 2016-04-07. Review status: no assertion criteria provided. Collection method: clinical testing. Allele origin: germline. Inheritance: Autosomal recessive inheritance. Affected: yes. Observed: 1 homozygote.
Comment: Reverse genetics was used for diagnosis with whole exome sequencing and Sengers syndrome was consistent with the clinical findings. The c.1215dupG (p.Phe406Valfs*4) variant in AGK meets our criteria to be classified as likely pathogenic.

NM_018238.4(AGK):c.1215dup (p.Phe406fs)

Gene: AGK (acylglycerol kinase; plus strand). Cytogenetic location: 7q34.
Variant type: Duplication.
Coding change: c.1215dup on transcript NM_018238.4 (MANE Select); coding-DNA position 1215, one base duplicated (G; older notation c.1215dupG).
Protein change: p.Phe406fs; shifts the reading frame from phenylalanine 406.
Molecular consequence: frameshift variant.
Genome position (GRCh38, 1-based): chr7:141,652,870, G duplicated. VCF-style (leftmost placement, unchanged base first): chr7-141652869-A-AG. GRCh37 (hg19) VCF-style: chr7-141352669-A-AG.
Other names: c.1215dupG (NM_018238.4); c.1215dup, p.Phe406fs (LRG_1251t1); short protein forms F406fs.
Identifiers: ClinVar variation 617460 (VCV000617460.2), dbSNP rs1587181981, ClinGen allele CA915945532.